The following is an entry in ClinVar:

ClinVar aggregate classification (germline): Pathogenic/Likely pathogenic. Review status: criteria provided, multiple submitters, no conflicts (2 of 4 stars). 2 submissions from 2 submitters: Pathogenic (1); Likely pathogenic (1). Last evaluated 2025-02-05.

Conditions:
ABCA4-related disorder. Also called: ABCA4-related condition; ABCA4-related disorders. Identifiers: MedGen CN239167.
Severe early-childhood-onset retinal dystrophy (STGD1). Also called: Stargardt macular dystrophy; Juvenile onset macular degeneration; Stargardt disease 1; MACULAR DYSTROPHY WITH FLECKS, TYPE 1; STGD. Identifiers: Orphanet 364055, Orphanet 827, MedGen C1855465, MeSH D000080362, MONDO:0009549, OMIM 248200.

Allele frequency attached by ClinVar (database versions not stated): gnomAD 0.00001.
gnomAD v4.1: 1 of 1,603,940 alleles (0.000062%); highest among the groups gnomAD compares: East Asian, 0.0022%; no homozygotes.

Submissions (2):

SingHealth Duke-NUS Institute of Precision Medicine
Classification: Likely pathogenic for Severe early-childhood-onset retinal dystrophy. Last evaluated: 2025-02-05. Review status: criteria provided, single submitter. Criteria: PRISM ACMG Classification Criteria. Collection method: clinical testing. Allele origin: germline. Affected: yes.
Comment: Variant is predicted to cause splicing that causes nonsense-mediated decay (PVS1). Homozygous allele count in gnomAD exomes and genomes are 0 (PM2)

Blueprint Genetics
Classification: Pathogenic for ABCA4-related disorders. Last evaluated: 2022-01-05. Review status: criteria provided, single submitter. Criteria: ACMG Guidelines, 2015. Collection method: clinical testing. Allele origin: germline. Affected: yes. Observed: 3 variant alleles.

NM_000350.3(ABCA4):c.3523-2A>G

Gene: ABCA4 (ATP binding cassette subfamily A member 4; minus strand). Cytogenetic location: 1p22.1.
Variant type: single nucleotide variant.
Coding change: c.3523-2A>G on transcript NM_000350.3 (MANE Select); the canonical splice acceptor site of the intron before coding-DNA position 3523, A replaced by G.
Molecular consequence: splice acceptor variant.
Genome position (GRCh38, 1-based): chr1:94,040,129, T>C on the plus strand (A>G on the coding strand, the complement: ABCA4 is on the minus strand). VCF-style: chr1-94040129-T-C. GRCh37 (hg19) VCF-style: chr1-94505685-T-C.
Identifiers: ClinVar variation 866764 (VCV000866764.3), dbSNP rs1168144507, ClinGen allele CA341290274.
Genomic context (GRCh38, chr1:94,040,129, plus strand): 5'-TCATCGACGTGGGCTGGACACGTGGTGGAGAAACCCTTAGACGAGCAGCTGCAGGTCCCC[T>C]GCAACAGATGGATGGGATGACTGACAAGATGCACATCCCTTCCATGACAGCCTCTCCCTG-3'